The following is an entry in ClinVar:

ClinVar aggregate classification (germline): Uncertain significance (1 of 4 stars; one submission).

Submission:

Labcorp Genetics (formerly Invitae), Labcorp
Classification: Uncertain significance. Last evaluated: 2023-03-27. Review status: criteria provided, single submitter. Criteria: Invitae Variant Classification Sherloc (09022015). Collection method: clinical testing. Allele origin: germline.
Comment: This missense change has been observed in individual(s) with COL4A3-related conditions (Invitae). In at least one individual the data is consistent with being in trans (on the opposite chromosome) from a pathogenic variant. In summary, the available evidence is currently insufficient to determine the role of this variant in disease. Therefore, it has been classified as a Variant of Uncertain Significance. Advanced modeling of protein sequence and biophysical properties (such as structural, functional, and spatial information, amino acid conservation, physicochemical variation, residue mobility, and thermodynamic stability) has been performed at Invitae for this missense variant, however the output from this modeling did not meet the statistical confidence thresholds required to predict the impact of this variant on COL4A3 protein function. ClinVar contains an entry for this variant (Variation ID: 1720538). This variant is not present in population databases (gnomAD no frequency). This sequence change replaces glycine, which is neutral and non-polar, with aspartic acid, which is acidic and polar, at codon 112 of the COL4A3 protein (p.Gly112Asp).

NM_000091.5(COL4A3):c.335G>A (p.Gly112Asp)

Genes: COL4A3 (collagen type IV alpha 3 chain; plus strand), MFF-DT (MFF divergent transcript; minus strand). Cytogenetic location: 2q36.3.
Variant type: single nucleotide variant.
Coding change: c.335G>A on transcript NM_000091.5 (MANE Select); coding-DNA position 335, G replaced by A.
Protein change: p.Gly112Asp; replaces glycine 112 with aspartic acid.
Molecular consequence: missense variant.
Genome position (GRCh38, 1-based): chr2:227,245,964, G>A. VCF-style: chr2-227245964-G-A. GRCh37 (hg19) VCF-style: chr2-228110680-G-A.
Other names: short protein forms G112D.
Identifiers: ClinVar variation 1720538 (VCV001720538.5), dbSNP rs2469502316, ClinGen allele CA350861632.
Genomic context (GRCh38, chr2:227,245,964, plus strand): 5'-GTGCTGTTTCTTGGGATGACCCTCCTCATTGAGACTTGTTCTTCTTCCAGGGCACCCCAG[G>A]CAATACCGGGCCTTACGGACTTGTCGGTGTACCAGGATGCAGTGGTTCTAAGGTAAGTAC-3'
Protein context (NP_000082.2, residues 102-122): SGSPGLPGTP[Gly112Asp]NTGPYGLVGV